The following is an entry in ClinVar:

ClinVar aggregate classification (germline): Likely benign (0 of 4 stars; one submission).

Conditions:
OCA2-related disorder. Also called: OCA2-related condition.

Allele frequency attached by ClinVar (database versions not stated): TOPMed below 0.00001; gnomAD exomes 0.00003.
gnomAD v4.1: 45 of 1,610,718 alleles (0.0028%); highest among the groups gnomAD compares: Non-Finnish European, 0.0036%; no homozygotes.

Submission:

PreventionGenetics, part of Exact Sciences
Classification: Likely benign for OCA2-related condition. Last evaluated: 2021-03-23. Review status: no assertion criteria provided. Collection method: clinical testing. Allele origin: germline.
Comment: This variant is classified as likely benign based on ACMG/AMP sequence variant interpretation guidelines (Richards et al. 2015 PMID: 25741868, with internal and published modifications).

NM_000275.3(OCA2):c.2433-5T>G

Gene: OCA2 (OCA2 melanosomal transmembrane protein; minus strand). Cytogenetic location: 15q12.
Variant type: single nucleotide variant.
Coding change: c.2433-5T>G on transcript NM_000275.3 (MANE Select); 5 bases into the intron before coding-DNA position 2433, T replaced by G.
Molecular consequence: intron variant.
Genome position (GRCh38, 1-based): chr15:27,755,477, A>C on the plus strand (T>G on the coding strand, the complement: OCA2 is on the minus strand). VCF-style: chr15-27755477-A-C. GRCh37 (hg19) VCF-style: chr15-28000623-A-C.
Other names: c.2361-5T>G (NM_001300984.2).
Identifiers: ClinVar variation 3032087 (VCV003032087.2), dbSNP rs1410129261, ClinGen allele CA617000819.